The following is an entry in ClinVar:

NM_001002295.2(GATA3):c.454A>C (p.Thr152Pro)

Gene: GATA3 (GATA binding protein 3; plus strand). Cytogenetic location: 10p14.
Variant type: single nucleotide variant.
Coding change: c.454A>C on transcript NM_001002295.2 (MANE Select); coding-DNA position 454, A replaced by C.
Protein change: p.Thr152Pro; replaces threonine 152 with proline.
Molecular consequence: missense variant.
Genome position (GRCh38, 1-based): chr10:8,058,517, A>C. VCF-style: chr10-8058517-A-C. GRCh37 (hg19) VCF-style: chr10-8100480-A-C.
Other names: c.454A>C, p.Thr152Pro (NM_002051.3); short protein forms T152P.
Identifiers: ClinVar variation 2487289 (VCV002487289.5), dbSNP rs1291367682, ClinGen allele CA375968407.

ClinVar aggregate classification (germline): Uncertain significance. Review status: criteria provided, multiple submitters, no conflicts (2 of 4 stars). 2 submissions from 2 submitters: Uncertain significance (2). Last evaluated 2025-03-26.

Conditions:
Inborn genetic diseases. Identifiers: MedGen C0950123, MeSH D030342.

Allele frequency attached by ClinVar (database versions not stated): gnomAD 0.00004.

Submissions (2):

Ambry Genetics
Classification: Uncertain significance for Inborn genetic diseases. Last evaluated: 2025-03-26. Review status: criteria provided, single submitter. Criteria: Ambry Variant Classification Scheme 2023. Collection method: clinical testing. Allele origin: germline.

Labcorp Genetics (formerly Invitae), Labcorp
Classification: Uncertain significance. Last evaluated: 2023-02-16. Review status: criteria provided, single submitter. Criteria: Invitae Variant Classification Sherloc (09022015). Collection method: clinical testing. Allele origin: germline.
Comment: This variant has not been reported in the literature in individuals affected with GATA3-related conditions. This variant is present in population databases (no rsID available, gnomAD 0.003%). This sequence change replaces threonine, which is neutral and polar, with proline, which is neutral and non-polar, at codon 152 of the GATA3 protein (p.Thr152Pro). Advanced modeling of protein sequence and biophysical properties (such as structural, functional, and spatial information, amino acid conservation, physicochemical variation, residue mobility, and thermodynamic stability) performed at Invitae indicates that this missense variant is not expected to disrupt GATA3 protein function. In summary, the available evidence is currently insufficient to determine the role of this variant in disease. Therefore, it has been classified as a Variant of Uncertain Significance.